The following is an entry in ClinVar:

ClinVar aggregate classification (germline): Uncertain significance. Review status: criteria provided, multiple submitters, no conflicts (2 of 4 stars). 2 submissions from 2 submitters: Uncertain significance (2). Last evaluated 2026-01-26.

Conditions:
TNC-related disorder. Also called: TNC-related condition.

gnomAD v4.1: 50 of 1,613,748 alleles (0.0031%); highest among the groups gnomAD compares: African/African-American, 0.0067%; no homozygotes.

Submissions (2):

PreventionGenetics, part of Exact Sciences
Classification: Uncertain significance for TNC-related condition. Last evaluated: 2026-01-26. Review status: criteria provided, single submitter. Criteria: ACMG Guidelines, 2015. Collection method: clinical testing. Allele origin: germline.
Comment: The TNC c.6229C>T variant is predicted to result in the amino acid substitution p.Arg2077Trp. To our knowledge, this variant has not been reported in the literature. This variant is reported in 0.012% of alleles in individuals of African descent in gnomAD. Although we suspect that this variant may be benign, at this time, the clinical significance of this variant is uncertain due to the absence of conclusive functional and genetic evidence.

Ambry Genetics
Classification: Uncertain significance. Last evaluated: 2024-04-15. Review status: criteria provided, single submitter. Criteria: Ambry Variant Classification Scheme 2023. Collection method: clinical testing. Allele origin: germline.

NM_002160.4(TNC):c.6229C>T (p.Arg2077Trp)

Gene: TNC (tenascin C; minus strand). Cytogenetic location: 9q33.1.
Variant type: single nucleotide variant.
Coding change: c.6229C>T on transcript NM_002160.4 (MANE Select); coding-DNA position 6229, C replaced by T.
Protein change: p.Arg2077Trp; replaces arginine 2077 with tryptophan.
Molecular consequence: missense variant.
Genome position (GRCh38, 1-based): chr9:115,026,636, G>A on the plus strand (C>T on the coding strand, the complement: TNC is on the minus strand). VCF-style: chr9-115026636-G-A. GRCh37 (hg19) VCF-style: chr9-117788915-G-A.
Other names: c.5683C>T, p.Arg1895Trp (NM_001410991.1); short protein forms R2077W, R1895W.
Identifiers: ClinVar variation 3327441 (VCV003327441.2).
Genomic context (GRCh38, chr9:115,026,636, plus strand): 5'-TCTTGGCATCTCCCACGCTGAACTTGTCATAGACAGCAAAGGCTGTCTCCCCATGGTCCC[G>A]CAGGTCCACCCGGAGCTCGTACTGCCCCTGGGCTGTGATTTTGTTCAGGTTGTCCAGCCC-3'
Protein context (NP_002151.2, residues 2067-2087): QGQYELRVDL[Arg2077Trp]DHGETAFAVY